The following is an entry in ClinVar:

NM_000016.6(ACADM):c.30+10A>G

Gene: ACADM (acyl-CoA dehydrogenase medium chain; plus strand). Cytogenetic location: 1p31.1.
Variant type: single nucleotide variant.
Coding change: c.30+10A>G on transcript NM_000016.6 (MANE Select); 10 bases into the intron after coding-DNA position 30, A replaced by G.
Molecular consequence: intron variant.
Genome position (GRCh38, 1-based): chr1:75,724,827, A>G. VCF-style: chr1-75724827-A-G. GRCh37 (hg19) VCF-style: chr1-76190512-A-G.
Other names: c.30+10A>G (NM_001127328.3, NM_001286043.2); c.10+10A>G (NM_001286042.2); c.-268+10A>G (NM_001286044.2).
Identifiers: ClinVar variation 506817 (VCV000506817.8), dbSNP rs759413479, ClinGen allele CA658795476.
Genomic context (GRCh38, chr1:75,724,827, plus strand): 5'-GTGGCCGGAACGGGAGCCAACATGGCAGCGGGGTTCGGGCGATGCTGCAGGGTGAGAGGG[A>G]GCCCAGCGGTGCGGTGGGGCTGGAACATGGGTATTGTGGTGTCGGAGCAGGGGGCCCTGG-3'

ClinVar aggregate classification (germline): Likely benign. Review status: criteria provided, multiple submitters, no conflicts (2 of 4 stars). 2 submissions from 2 submitters: Likely benign (2). Last evaluated 2026-01-24.

Conditions:
Medium-chain acyl-coenzyme A dehydrogenase deficiency (ACADMD). Also called: MCADD; ACADM DEFICIENCY; CARNITINE DEFICIENCY SECONDARY TO MEDIUM-CHAIN ACYL-CoA DEHYDROGENASE DEFICIENCY; Medium chain acyl-CoA dehydrogenase deficiency; MCAD Deficiency; MCADH DEFICIENCY. Identifiers: Orphanet 42, MedGen C0220710, MONDO:0008721, OMIM 201450.

gnomAD v4.1: 2 of 1,481,224 alleles (0.00014%); highest among the groups gnomAD compares: Non-Finnish European, 0.00009%; no homozygotes.

Submissions (2):

Labcorp Genetics (formerly Invitae), Labcorp
Classification: Likely benign for Medium-chain acyl-coenzyme A dehydrogenase deficiency. Last evaluated: 2026-01-24. Review status: criteria provided, single submitter. Criteria: Invitae Variant Classification Sherloc (09022015). Collection method: clinical testing. Allele origin: germline.

GeneDx
Classification: Likely benign. Last evaluated: 2017-01-25. Review status: criteria provided, single submitter. Criteria: GeneDx Variant Classification (06012015). Collection method: clinical testing. Allele origin: germline. Affected: yes.
Comment: This variant is considered likely benign or benign based on one or more of the following criteria: it is a conservative change, it occurs at a poorly conserved position in the protein, it is predicted to be benign by multiple in silico algorithms, and/or has population frequency not consistent with disease.